The following is an entry in ClinVar:

NM_019023.5(PRMT7):c.1566G>A (p.Val522=)

Gene: PRMT7 (protein arginine methyltransferase 7; plus strand). Cytogenetic location: 16q22.1.
Variant type: single nucleotide variant.
Coding change: c.1566G>A on transcript NM_019023.5 (MANE Select); coding-DNA position 1566, G replaced by A.
Protein change: p.Val522=; no amino-acid change (valine 522 retained).
Molecular consequence: synonymous variant. On other transcripts: non-coding transcript variant (12), intron variant (1).
Genome position (GRCh38, 1-based): chr16:68,352,400, G>A. VCF-style: chr16-68352400-G-A. GRCh37 (hg19) VCF-style: chr16-68386303-G-A.
Other names: c.1416G>A, p.Val472= (NM_001184824.4); c.1566G>A, p.Val522= (NM_001290018.2, NM_001351143.3, NM_001378018.1); c.1359G>A, p.Val453= (NM_001378020.1); c.1329G>A, p.Val443= (NM_001378021.1, NM_001378022.1, NM_001378023.1); c.1481+85G>A (NM_001351144.3).
Identifiers: ClinVar variation 3684673 (VCV003684673.2).

ClinVar aggregate classification (germline): Uncertain significance (1 of 4 stars; one submission).

gnomAD v4.1: 4 of 1,603,196 alleles (0.00025%); highest among the groups gnomAD compares: East Asian, 0.0022%; no homozygotes.

Submission:

Labcorp Genetics (formerly Invitae), Labcorp
Classification: Uncertain significance. Last evaluated: 2024-08-28. Review status: criteria provided, single submitter. Criteria: Invitae Variant Classification Sherloc (09022015). Collection method: clinical testing. Allele origin: germline.
Comment: This sequence change affects codon 522 of the PRMT7 mRNA. It is a 'silent' change, meaning that it does not change the encoded amino acid sequence of the PRMT7 protein. This variant is present in population databases (no rsID available, gnomAD 0.01%). This variant has not been reported in the literature in individuals affected with PRMT7-related conditions. Algorithms developed to predict the effect of sequence changes on RNA splicing suggest that this variant may disrupt the consensus splice site. In summary, the available evidence is currently insufficient to determine the role of this variant in disease. Therefore, it has been classified as a Variant of Uncertain Significance.